The following is an entry in ClinVar:

NM_001128178.3(NPHP1):c.1231G>A (p.Gly411Arg)

Gene: NPHP1 (nephrocystin 1; minus strand). Cytogenetic location: 2q13.
Variant type: single nucleotide variant.
Coding change: c.1231G>A on transcript NM_001128178.3 (MANE Select); coding-DNA position 1231, G replaced by A.
Protein change: p.Gly411Arg; replaces glycine 411 with arginine.
Molecular consequence: missense variant.
Genome position (GRCh38, 1-based): chr2:110,147,954, C>T on the plus strand (G>A on the coding strand, the complement: NPHP1 is on the minus strand). VCF-style: chr2-110147954-C-T. GRCh37 (hg19) VCF-style: chr2-110905531-C-T.
Other names: c.1399G>A, p.Gly467Arg (NM_000272.5); c.1042G>A, p.Gly348Arg (NM_001128179.3); c.1228G>A, p.Gly410Arg (NM_001374256.1); c.1231G>A, p.Gly411Arg (NM_001374257.1); c.1396G>A, p.Gly466Arg (NM_207181.4); short protein forms G348R, G410R, G411R, G466R, G467R.
Identifiers: ClinVar variation 1018783 (VCV001018783.6), dbSNP rs759936705, ClinGen allele CA1827093.

ClinVar aggregate classification (germline): Uncertain significance (1 of 4 stars; one submission).

Conditions:
Nephronophthisis. Also called: Juvenile Nephronophthisis. Identifiers: Orphanet 655, MedGen C0687120, MONDO:0019005, HP:0000090.

Allele frequency attached by ClinVar (database versions not stated): gnomAD exomes below 0.00001 and 0.00001; ExAC 0.00001.
gnomAD v4.1: 20 of 1,609,116 alleles (0.0012%); highest among the groups gnomAD compares: Non-Finnish European, 0.0017%; no homozygotes.

Submission:

Labcorp Genetics (formerly Invitae), Labcorp
Classification: Uncertain significance for Nephronophthisis. Last evaluated: 2023-10-05. Review status: criteria provided, single submitter. Criteria: Invitae Variant Classification Sherloc (09022015). Collection method: clinical testing. Allele origin: germline.
Comment: This sequence change replaces glycine, which is neutral and non-polar, with arginine, which is basic and polar, at codon 467 of the NPHP1 protein (p.Gly467Arg). This variant is present in population databases (rs759936705, gnomAD 0.0009%). This variant has not been reported in the literature in individuals affected with NPHP1-related conditions. ClinVar contains an entry for this variant (Variation ID: 1018783). Advanced modeling of protein sequence and biophysical properties (such as structural, functional, and spatial information, amino acid conservation, physicochemical variation, residue mobility, and thermodynamic stability) has been performed at Invitae for this missense variant, however the output from this modeling did not meet the statistical confidence thresholds required to predict the impact of this variant on NPHP1 protein function. Algorithms developed to predict the effect of sequence changes on RNA splicing suggest that this variant may disrupt the consensus splice site. In summary, the available evidence is currently insufficient to determine the role of this variant in disease. Therefore, it has been classified as a Variant of Uncertain Significance.